The following is an entry in ClinVar:

ClinVar aggregate classification (germline): Conflicting classifications of pathogenicity. Review status: criteria provided, conflicting classifications (1 of 4 stars). 6 submissions from 6 submitters: Uncertain significance (1); Likely benign (2). 3 of the submissions do not count toward it. Last evaluated 2026-03-10.

Conditions:
PRDM16-related disorder. Also called: PRDM16-related condition.
Left ventricular noncompaction 8 (LVNC8). Identifiers: Orphanet 154, Orphanet 54260, MedGen C3809288, MONDO:0014152, OMIM 615373.

Allele frequency attached by ClinVar (database versions not stated): 1000 Genomes Project 30x 0.00016; 1000 Genomes Project 0.00020; ExAC 0.00023; gnomAD 0.00056 and 0.00060; TOPMed 0.00076; ESP Exome Variant Server 0.00092.
gnomAD v4.1: 208 of 1,613,618 alleles (0.013%); highest among the groups gnomAD compares: African/African-American, 0.18%; no homozygotes.

Submissions (6):

Women's Health and Genetics/Laboratory Corporation of America, LabCorp
Classification: Likely benign. Last evaluated: 2026-03-10. Review status: criteria provided, single submitter. Criteria: LabCorp Variant Classification Summary - May 2015. Collection method: clinical testing. Allele origin: germline.

Labcorp Genetics (formerly Invitae), Labcorp
Classification: Likely benign for Left ventricular noncompaction 8. Last evaluated: 2026-01-19. Review status: criteria provided, single submitter. Criteria: Invitae Variant Classification Sherloc (09022015). Collection method: clinical testing. Allele origin: germline.

GeneDx
Classification: Uncertain significance. Last evaluated: 2023-04-10. Review status: criteria provided, single submitter. Criteria: GeneDx Variant Classification Process June 2021. Collection method: clinical testing. Allele origin: germline. Affected: yes.
Comment: In silico analysis supports that this missense variant has a deleterious effect on protein structure/function; This variant is associated with the following publications: (PMID: 32746448)

PreventionGenetics, part of Exact Sciences
Classification: Likely benign for PRDM16-related condition. Last evaluated: 2023-11-05. Review status: no assertion criteria provided. Collection method: clinical testing. Allele origin: germline. Not counted in ClinVar's aggregate classification.
Comment: This variant is classified as likely benign based on ACMG/AMP sequence variant interpretation guidelines (Richards et al. 2015 PMID: 25741868, with internal and published modifications).

Clinical Genetics, Academic Medical Center
Classification: Benign. Review status: no assertion criteria provided. Collection method: clinical testing. Allele origin: germline. Affected: yes. Study: VKGL Data-share Consensus. Not counted in ClinVar's aggregate classification.

Diagnostic Laboratory, Department of Genetics, University Medical Center Groningen
Classification: Likely benign. Review status: no assertion criteria provided. Collection method: clinical testing. Allele origin: germline. Affected: yes. Study: VKGL Data-share Consensus. Not counted in ClinVar's aggregate classification.

NM_022114.4(PRDM16):c.934G>A (p.Asp312Asn)

Gene: PRDM16 (PR/SET domain 16; plus strand). Cytogenetic location: 1p36.32.
Variant type: single nucleotide variant.
Coding change: c.934G>A on transcript NM_022114.4 (MANE Select); coding-DNA position 934, G replaced by A.
Protein change: p.Asp312Asn; replaces aspartic acid 312 with asparagine.
Molecular consequence: missense variant.
Genome position (GRCh38, 1-based): chr1:3,404,788, G>A. VCF-style: chr1-3404788-G-A. GRCh37 (hg19) VCF-style: chr1-3321352-G-A.
Other names: c.934G>A, p.Asp312Asn (NM_199454.3); short protein forms D312N.
Identifiers: ClinVar variation 698738 (VCV000698738.19), dbSNP rs191798831, ClinGen allele CA544035.